The following is an entry in ClinVar:

NM_024298.5(MBOAT7):c.963C>A (p.Asn321Lys)

Gene: MBOAT7 (membrane bound acylglycerophosphatidylinositol O-acyltransferase MBOAT7; minus strand). Cytogenetic location: 19q13.42.
Variant type: single nucleotide variant.
Coding change: c.963C>A on transcript NM_024298.5 (MANE Select); coding-DNA position 963, C replaced by A.
Protein change: p.Asn321Lys; replaces asparagine 321 with lysine.
Molecular consequence: missense variant.
Genome position (GRCh38, 1-based): chr19:54,178,833, G>T on the plus strand (C>A on the coding strand, the complement: MBOAT7 is on the minus strand). VCF-style: chr19-54178833-G-T. GRCh37 (hg19) VCF-style: chr19-54682550-G-T.
Other names: c.744C>A, p.Asn248Lys (NM_001146056.3, NM_001146083.3); c.963C>A, p.Asn321Lys (NM_001146082.3); short protein forms N248K, N321K.
Identifiers: ClinVar variation 3360936 (VCV003360936.1).
Genomic context (GRCh38, chr19:54,178,833, plus strand): 5'-ATAGGAACGGGCAGGTGCGCTCTTGTAGATATACTGCGCCAGCCACCACTGCACCGTCAT[G>T]TTCCAGTACCGCATGCCATCGCGCACCCGCACGCAGAAATCTGTGCTGTAGCAGTCGATG-3'
Protein context (NP_077274.3, residues 311-331): VRVRDGMRYW[Asn321Lys]MTVQWWLAQY

ClinVar aggregate classification (germline): Uncertain significance (1 of 4 stars; one submission).

Submission:

GeneDx
Classification: Uncertain significance. Last evaluated: 2023-07-15. Review status: criteria provided, single submitter. Criteria: GeneDx Variant Classification Process June 2021. Collection method: clinical testing. Allele origin: germline. Affected: yes.
Comment: Not observed at significant frequency in large population cohorts (gnomAD); In silico analysis supports that this missense variant has a deleterious effect on protein structure/function; Has not been previously published as pathogenic or benign to our knowledge